The following is an entry in ClinVar:

NM_020822.3(KCNT1):c.1490A>G (p.Lys497Arg)

Gene: KCNT1 (potassium sodium-activated channel subfamily T member 1; plus strand). Cytogenetic location: 9q34.3.
Variant type: single nucleotide variant.
Coding change: c.1490A>G on transcript NM_020822.3 (MANE Select); coding-DNA position 1490, A replaced by G.
Protein change: p.Lys497Arg; replaces lysine 497 with arginine.
Molecular consequence: missense variant.
Genome position (GRCh38, 1-based): chr9:135,768,917, A>G. VCF-style: chr9-135768917-A-G. GRCh37 (hg19) VCF-style: chr9-138660763-A-G.
Other names: c.1355A>G, p.Lys452Arg (NM_001272003.2); short protein forms K497R, K452R.
Identifiers: ClinVar variation 654500 (VCV000654500.9), dbSNP rs1245114972, ClinGen allele CA375505670.
Genomic context (GRCh38, chr9:135,768,917, plus strand): 5'-CCGTGAAGGACTTCGCCCCCAACTGCCCCCTCTACGTCCAGATCCTCAAACCTGAAAACA[A>G]GTTTCACGTCAAGTTTGCTGGTGCGTCTGGGGCACACGTGGGTGATGGTGTATCTGGGGC-3'
Protein context (NP_065873.2, residues 487-507): LYVQILKPEN[Lys497Arg]FHVKFADHVV

ClinVar aggregate classification (germline): Uncertain significance (1 of 4 stars; one submission).

Conditions:
Autosomal dominant nocturnal frontal lobe epilepsy 5. Also called: Epilepsy, nocturnal frontal lobe, 5; KCNT1-Related Epilepsy; CILIARY DYSKINESIA, PRIMARY, 28, WITHOUT SITUS INVERSUS; CILIARY DYSKINESIA, PRIMARY, 28, WITH SITUS INVERSUS. Identifiers: Orphanet 98784, MedGen C3554306, MONDO:0014002, OMIM 615005.
Developmental and epileptic encephalopathy, 14 (DEE14). Also called: Early infantile epileptic encephalopathy 14. Identifiers: Orphanet 293181, MedGen C3554195, MONDO:0013989, OMIM 614959.

Allele frequency attached by ClinVar (database versions not stated): gnomAD exomes below 0.00001.
gnomAD v4.1: 1 of 1,613,288 alleles (0.000062%); highest among the groups gnomAD compares: Non-Finnish European, 0.000085%; no homozygotes.

Submission:

Labcorp Genetics (formerly Invitae), Labcorp
Classification: Uncertain significance for Autosomal dominant nocturnal frontal lobe epilepsy 5; Developmental and epileptic encephalopathy, 14. Last evaluated: 2025-10-13. Review status: criteria provided, single submitter. Criteria: Invitae Variant Classification Sherloc (09022015). Collection method: clinical testing. Allele origin: germline.
Comment: This sequence change replaces lysine, which is basic and polar, with arginine, which is basic and polar, at codon 497 of the KCNT1 protein (p.Lys497Arg). The frequency data for this variant in the population databases is considered unreliable, as metrics indicate poor data quality at this position in the gnomAD database. This variant has not been reported in the literature in individuals affected with KCNT1-related conditions. ClinVar contains an entry for this variant (Variation ID: 654500). Invitae Evidence Modeling of protein sequence and biophysical properties (such as structural, functional, and spatial information, amino acid conservation, physicochemical variation, residue mobility, and thermodynamic stability) has been performed for this missense variant. However, the output from this modeling did not meet the statistical confidence thresholds required to predict the impact of this variant on KCNT1 protein function. In summary, the available evidence is currently insufficient to determine the role of this variant in disease. Therefore, it has been classified as a Variant of Uncertain Significance.